The following is an entry in ClinVar:

NM_021224.6(ZNF462):c.6902G>A (p.Arg2301His)

Genes: ZNF462 (zinc finger protein 462; plus strand), LOC340512 (uncharacterized LOC340512; minus strand). Cytogenetic location: 9q31.2.
Variant type: single nucleotide variant.
Coding change: c.6902G>A on transcript NM_021224.6 (MANE Select); coding-DNA position 6902, G replaced by A.
Protein change: p.Arg2301His; replaces arginine 2301 with histidine.
Molecular consequence: missense variant.
Genome position (GRCh38, 1-based): chr9:106,984,255, G>A. VCF-style: chr9-106984255-G-A. GRCh37 (hg19) VCF-style: chr9-109746536-G-A.
Other names: c.4307G>A, p.Arg1436His (NM_001347997.2); short protein forms R1436H, R2301H.
Identifiers: ClinVar variation 3373634 (VCV003373634.2).

ClinVar aggregate classification (germline): Uncertain significance (1 of 4 stars; one submission).

gnomAD v4.1: 4 of 1,614,044 alleles (0.00025%); highest among the groups gnomAD compares: Non-Finnish European, 0.00025%; no homozygotes.

Submission:

GeneDx
Classification: Uncertain significance. Last evaluated: 2025-10-03. Review status: criteria provided, single submitter. Criteria: GeneDx Variant Classification Process June 2021. Collection method: clinical testing. Allele origin: germline. Affected: yes.
Comment: Not observed at significant frequency in large population cohorts (gnomAD); In silico analysis supports that this missense variant has a deleterious effect on protein structure/function; Has not been previously published as pathogenic or benign to our knowledge